The following is an entry in ClinVar:

ClinVar aggregate classification (germline): Pathogenic (1 of 4 stars; one submission).

Conditions:
GNPTAB-mucolipidosis. Also called: UDP-N-acetylglucosamine-1-phosphotransferase subunit alpha/beta deficiency. Identifiers: MedGen CN322573, MONDO:0100122.

Submission:

Myriad Genetics, Inc.
Classification: Pathogenic for GNPTAB-mucolipidosis. Last evaluated: 2023-08-06. Review status: criteria provided, single submitter. Criteria: Myriad Autosomal Dominant, Autosomal Recessive and X-Linked Classification Criteria (2023). Collection method: clinical testing. Allele origin: unknown.
Comment: NM_024312.4(GNPTAB):c.2465_2468delCCCA(T822Kfs*4) is expected to be pathogenic in the context of GNPTAB-related disorders. This variant is predicted to lead to an abnormal or absent protein product due to the creation of a premature termination codon in GNPTAB, a gene where loss-of-function variants are known to be pathogenic. Please note: this variant was assessed in the context of healthy population screening.

NM_024312.5(GNPTAB):c.2465_2468del (p.Thr822fs)

Gene: GNPTAB (N-acetylglucosamine-1-phosphate transferase subunits alpha and beta; minus strand). Cytogenetic location: 12q23.2.
Variant type: Deletion.
Coding change: c.2465_2468del on transcript NM_024312.5 (MANE Select); coding-DNA positions 2465 to 2468, 4 bases deleted (CCCA; older notation c.2465_2468delCCCA).
Protein change: p.Thr822fs; shifts the reading frame from threonine 822.
Molecular consequence: frameshift variant.
Genome position (GRCh38, 1-based): chr12:101,764,449-101,764,452, TGGG deleted on the plus strand (CCCA on the coding strand, the reverse complement: GNPTAB is on the minus strand); deleting any 4 consecutive bases within chr12:101,764,449-101,764,454 gives the same sequence; the c. name uses the placement nearest the transcript's 3' end. VCF-style (leftmost placement, unchanged base first): chr12-101764448-TTGGG-T. GRCh37 (hg19) VCF-style: chr12-102158226-TTGGG-T.
Other names: short protein forms T822fs.
Identifiers: ClinVar variation 5011238 (VCV005011238.1).